The following is an entry in ClinVar:

NM_007294.4(BRCA1):c.4360G>A (p.Val1454Ile)

Gene: BRCA1 (BRCA1 DNA repair associated; minus strand). Cytogenetic location: 17q21.31.
Variant type: single nucleotide variant.
Coding change: c.4360G>A on transcript NM_007294.4 (MANE Select); coding-DNA position 4360, G replaced by A.
Protein change: p.Val1454Ile; replaces valine 1454 with isoleucine.
Molecular consequence: missense variant. On other transcripts: splice acceptor variant (135), intron variant (3).
Genome position (GRCh38, 1-based): chr17:43,076,612, C>T on the plus strand (G>A on the coding strand, the complement: BRCA1 is on the minus strand). VCF-style: chr17-43076612-C-T. GRCh37 (hg19) VCF-style: chr17-41228629-C-T.
Other names: c.4147G>A, p.Val1383Ile (NM_001407571.1, NM_001407894.1, NM_001407895.1 and 8 more transcripts); c.4426G>A, p.Val1476Ile (NM_001407581.1, NM_001407582.1); c.4423G>A, p.Val1475Ile (NM_001407587.1); c.4360G>A, p.Val1454Ile (NM_001407593.1, NM_001407594.1, NM_001407596.1 and 8 more transcripts); c.4357G>A, p.Val1453Ile (NM_001407610.1, NM_001407611.1, NM_001407612.1 and 7 more transcripts); c.4354G>A, p.Val1452Ile (NM_001407627.1, NM_001407628.1, NM_001407629.1 and 3 more transcripts); c.4348G>A, p.Val1450Ile (NM_001407646.1); c.4303G>A, p.Val1435Ile (NM_001407648.1); and 98 more; short protein forms V1454I, V1407I, V1364I, V1383I, V1405I, V1406I, V1426I, V1427I.
Identifiers: ClinVar variation 433712 (VCV000433712.17), dbSNP rs1555582714, ClinGen allele CA10592821.

ClinVar aggregate classification (germline): Uncertain significance. Review status: criteria provided, multiple submitters, no conflicts (2 of 4 stars). 4 submissions from 4 submitters: Uncertain significance (3). 1 of the submissions does not count toward it. Last evaluated 2025-02-25.

Conditions:
Hereditary cancer-predisposing syndrome. Also called: Hereditary Cancer Syndrome; Hereditary neoplastic syndrome; Neoplastic Syndromes, Hereditary; Tumor predisposition. Identifiers: Orphanet 140162, MedGen C0027672, MeSH D009386, MONDO:0015356.
Hereditary breast ovarian cancer syndrome. Also called: Hereditary breast and ovarian cancer syndrome (HBOC); Breast and ovarian cancer; BRCA1- and BRCA2-Associated Hereditary Breast and Ovarian Cancer; Hereditary breast and/or ovarian cancer syndrome; Hereditary breast and ovarian cancer; Hereditary breast and ovarian cancer syndrome. Identifiers: Orphanet 145, MedGen C0677776, MeSH D061325, MONDO:0003582. Disease mechanism: loss of function.

Submissions (4):

Institute for Biomarker Research, Medical Diagnostic Laboratories, L.L.C.
Classification: Uncertain significance for Hereditary breast ovarian cancer syndrome. Last evaluated: 2025-02-25. Review status: criteria provided, single submitter. Criteria: ACMG Guidelines, 2015. Collection method: clinical testing. Allele origin: germline.
Comment: The missense variant NM_007294.4(BRCA1):c.4360G>A (p.Val1454Ile) has not been reported previously as a pathogenic variant nor as a benign variant, to our knowledge. There is a small physicochemical difference between valine and isoleucine, which is not likely to impact secondary protein structure as these residues share similar properties. The p.Val1454Ile missense variant is predicted to be tolerated by both SIFT or PolyPhen2. The nucleotide c.4360 in BRCA1 is not conserved according to a GERP++ and PhyloP analysis of 100 vertebrates. For these reasons, this variant has been classified as Uncertain Significance.

Ambry Genetics
Classification: Uncertain significance for Hereditary cancer-predisposing syndrome. Last evaluated: 2024-09-10. Review status: criteria provided, single submitter. Criteria: Ambry Variant Classification Scheme 2023. Collection method: clinical testing. Allele origin: germline.
Comment: The p.V1454I variant (also known as c.4360G>A), located in coding exon 12 of the BRCA1 gene, results from a G to A substitution at nucleotide position 4360. The valine at codon 1454 is replaced by isoleucine, an amino acid with highly similar properties. This amino acid position is not well conserved in available vertebrate species, and isoleucine is the reference amino acid in other vertebrate species. In addition, this alteration is predicted to be tolerated by in silico analysis. Based on the available evidence, the clinical significance of this variant remains unclear.

Labcorp Genetics (formerly Invitae), Labcorp
Classification: Uncertain significance for Hereditary breast ovarian cancer syndrome. Last evaluated: 2023-10-13. Review status: criteria provided, single submitter. Criteria: Invitae Variant Classification Sherloc (09022015). Collection method: clinical testing. Allele origin: germline.
Comment: This sequence change replaces valine, which is neutral and non-polar, with isoleucine, which is neutral and non-polar, at codon 1454 of the BRCA1 protein (p.Val1454Ile). This variant is not present in population databases (gnomAD no frequency). This variant has not been reported in the literature in individuals affected with BRCA1-related conditions. ClinVar contains an entry for this variant (Variation ID: 433712). An algorithm developed to predict the effect of missense changes on protein structure and function (PolyPhen-2) suggests that this variant is likely to be tolerated. Algorithms developed to predict the effect of sequence changes on RNA splicing suggest that this variant may disrupt the consensus splice site. In summary, the available evidence is currently insufficient to determine the role of this variant in disease. Therefore, it has been classified as a Variant of Uncertain Significance.

Department of Pathology and Laboratory Medicine, Sinai Health System
Classification: Uncertain significance. Review status: no assertion criteria provided. Collection method: clinical testing. Allele origin: unknown. Affected: yes. Study: The Canadian Open Genetics Repository (COGR). Not counted in ClinVar's aggregate classification.
Comment: The p.Val1454Ile variant was not identified in the literature nor was it identified in the Exome Variant Server, HGMD, UMD, COSMIC, LOVD or BIC databases. The Val1454 residue is not conserved in mammals and the variant amino acid Isoleucine (Ile) is present in mouse and cow, increasing the likelihood this variant does not have clinical significance. Computational analyses (PolyPhen2, SIFT, AlignGVGD, BLOSUM) do not suggest a high likelihood of impact to the protein. However, this information is not predictive enough to rule out pathogenicity. In addition, the variant occurs 3bp away from the 5' splice site but it is not predicted to alter splicing, although the possibility that this variant could affect splicing cannot be ruled out. In summary, based on the above information, the clinical significance of this variant cannot be determined at this time. Therefore, this variant is classified as a variant of unknown significance.